The following is an entry in ClinVar:

ClinVar aggregate classification (germline): Uncertain significance. Review status: criteria provided, multiple submitters, no conflicts (2 of 4 stars). 2 submissions from 2 submitters: Uncertain significance (2). Last evaluated 2024-07-23.

Conditions:
Hypertrophic cardiomyopathy. Also called: HYPERTROPHIC MYOCARDIOPATHY. Identifiers: Orphanet 217569, MedGen C0007194, MeSH D002312, MONDO:0005045, HP:0001639.
Cardiovascular phenotype. Identifiers: MedGen CN230736.

Submissions (2):

Labcorp Genetics (formerly Invitae), Labcorp
Classification: Uncertain significance for Hypertrophic cardiomyopathy. Last evaluated: 2024-07-23. Review status: criteria provided, single submitter. Criteria: Invitae Variant Classification Sherloc (09022015). Collection method: clinical testing. Allele origin: germline.
Comment: This sequence change replaces serine, which is neutral and polar, with asparagine, which is neutral and polar, at codon 252 of the TPM1 protein (p.Ser252Asn). This variant is not present in population databases (gnomAD no frequency). This missense change has been observed in individual(s) with hypertrophic cardiomyopathy (PMID: 31737537, 37652022). ClinVar contains an entry for this variant (Variation ID: 1759518). An algorithm developed to predict the effect of missense changes on protein structure and function (PolyPhen-2) suggests that this variant is likely to be disruptive. In summary, the available evidence is currently insufficient to determine the role of this variant in disease. Therefore, it has been classified as a Variant of Uncertain Significance.

Ambry Genetics
Classification: Uncertain significance for Cardiovascular phenotype. Last evaluated: 2019-03-04. Review status: criteria provided, single submitter. Criteria: Ambry Variant Classification Scheme 2023. Collection method: clinical testing. Allele origin: germline.
Comment: The p.S252N variant (also known as c.755G>A), located in coding exon 8 of the TPM1 gene, results from a G to A substitution at nucleotide position 755. The serine at codon 252 is replaced by asparagine, an amino acid with highly similar properties. This amino acid position is not well conserved in available vertebrate species. In addition, the in silico prediction for this alteration is inconclusive. Since supporting evidence is limited at this time, the clinical significance of this alteration remains unclear.

Literature cited by the submitters: PubMed 31737537 (cited by Labcorp Genetics (formerly Invitae), Labcorp); PubMed 37652022 (cited by Labcorp Genetics (formerly Invitae), Labcorp).

NM_001018005.2(TPM1):c.755G>A (p.Ser252Asn)

Gene: TPM1 (tropomyosin 1; plus strand). Cytogenetic location: 15q22.2.
Variant type: single nucleotide variant.
Coding change: c.755G>A on transcript NM_001018005.2 (MANE Select); coding-DNA position 755, G replaced by A.
Protein change: p.Ser252Asn; replaces serine 252 with asparagine.
Molecular consequence: missense variant.
Genome position (GRCh38, 1-based): chr15:63,062,628, G>A. VCF-style: chr15-63062628-G-A. GRCh37 (hg19) VCF-style: chr15-63354827-G-A.
Other names: c.755G>A, p.Ser252Asn (NM_001018020.2, NM_001301244.2, NM_001407325.1 and 20 more transcripts); c.647G>A, p.Ser216Asn (NM_001301289.2, NM_001330344.2, NM_001330346.2 and 9 more transcripts); c.881G>A, p.Ser294Asn (NM_001365778.1, NM_001407322.1, NM_001407323.1 and 1 more transcripts); short protein forms S252N, S216N, S294N.
Identifiers: ClinVar variation 1759518 (VCV001759518.4), dbSNP rs1375629623, ClinGen allele CA392724649.
Genomic context (GRCh38, chr15:63,062,628, plus strand): 5'-CATTACAGGCTGAGACTCGGGCTGAGTTTGCGGAGAGGTCAGTAACTAAATTGGAGAAAA[G>A]CATTGATGACTTAGAAGGTAAGATCTTAAGTAGTGTTTTTAGTTTAATCCTTATGGTTGA-3'
Protein context (NP_001018005.1, residues 242-262): AERSVTKLEK[Ser252Asn]IDDLEDELYA